The following is an entry in ClinVar:

ClinVar aggregate classification (germline): Pathogenic (1 of 4 stars; one submission).

Conditions:
Lynch syndrome 5 (LYNCH5). Also called: Colorectal cancer, hereditary nonpolyposis, type 5; Hereditary non-polyposis colorectal cancer, type 5. Identifiers: Orphanet 144, MedGen C1833477, MONDO:0013710, OMIM 614350. Disease mechanism: loss of function.

Submission:

Myriad Genetics, Inc.
Classification: Pathogenic for Lynch syndrome 5. Last evaluated: 2023-08-17. Review status: criteria provided, single submitter. Criteria: Myriad Autosomal Dominant, Autosomal Recessive and X-Linked Classification Criteria (2023). Collection method: clinical testing. Allele origin: unknown.
Comment: This variant is considered pathogenic. This variant creates a frameshift predicted to result in premature protein truncation.

NM_000179.3(MSH6):c.2497_2501del (p.Lys833fs)

Gene: MSH6 (mutS homolog 6; plus strand). Cytogenetic location: 2p16.3.
Variant type: Deletion.
Coding change: c.2497_2501del on transcript NM_000179.3 (MANE Select); coding-DNA positions 2497 to 2501, 5 bases deleted (AAGAG; older notation c.2497_2501delAAGAG).
Protein change: p.Lys833fs; shifts the reading frame from lysine 833.
Molecular consequence: frameshift variant. On other transcripts: non-coding transcript variant (5), intron variant (3).
Genome position (GRCh38, 1-based): chr2:47,800,480-47,800,484, AAGAG deleted; deleting any 5 consecutive bases within chr2:47,800,479-47,800,484 gives the same sequence; the c. name uses the placement nearest the transcript's 3' end. VCF-style (leftmost placement, unchanged base first): chr2-47800478-TGAAGA-T. GRCh37 (hg19) VCF-style: chr2-48027617-TGAAGA-T.
Other names: c.2107_2111del, p.Lys703fs (NM_001281492.2); c.1591_1595del, p.Lys531fs (NM_001281493.2, NM_001281494.2, NM_001406811.1 and 6 more transcripts); c.2593_2597del, p.Lys865fs (NM_001406795.1, NM_001406802.1); c.2497_2501del, p.Lys833fs (NM_001406796.1, NM_001406798.1, NM_001406800.1 and 2 more transcripts); c.2200_2204del, p.Lys734fs (NM_001406797.1, NM_001406801.1, NM_001406805.1 and 10 more transcripts); c.1972_1976del, p.Lys658fs (NM_001406799.1, NM_001406806.1, NM_001406807.1); c.2419_2423del, p.Lys807fs (NM_001406804.1); c.2503_2507del, p.Lys835fs (NM_001406813.1); and 4 more; short protein forms K531fs, K658fs, K703fs, K734fs, K777fs, K807fs, K833fs, K835fs.
Identifiers: ClinVar variation 2673744 (VCV002673744.1), dbSNP rs2530676006, ClinGen allele CA2695200548.